The following is an entry in ClinVar:

NM_000179.3(MSH6):c.3930_3953dup (p.Arg1318_Lys1319insGluValIleGlnLysGlyHisArg)

Gene: MSH6 (mutS homolog 6; plus strand). Cytogenetic location: 2p16.3.
Variant type: Duplication.
Coding change: c.3930_3953dup on transcript NM_000179.3 (MANE Select); coding-DNA positions 3930 to 3953, 24 bases duplicated (GGAAGTTATTCAAAAGGGACATAG).
Protein change: p.Arg1318_Lys1319insGluValIleGlnLysGlyHisArg.
Molecular consequence: inframe insertion. On other transcripts: inframe indel (38).
Genome position (GRCh38, 1-based): chr2:47,806,580-47,806,603, GGAAGTTATTCAAAAGGGACATAG duplicated. VCF-style (leftmost placement, unchanged base first): chr2-47806579-A-AGGAAGTTATTCAAAAGGGACATAG. GRCh37 (hg19) VCF-style: chr2-48033718-A-AGGAAGTTATTCAAAAGGGACATAG.
Other names: c.3930_3953dup, p.Arg1318_Lys1319insGluValIleGlnLysGlyHisArg (NM_001406796.1, NM_001406808.1, NM_001406809.1); c.3633_3656dup, p.Arg1219_Lys1220insGluValIleGlnLysGlyHisArg (NM_001406797.1, NM_001406801.1, NM_001406805.1 and 10 more transcripts); c.3540_3563dup, p.Arg1188_Lys1189insGluValIleGlnLysGlyHisArg (NM_001281492.2); c.3024_3047dup, p.Arg1016_Lys1017insGluValIleGlnLysGlyHisArg (NM_001281493.2, NM_001281494.2, NM_001406811.1 and 6 more transcripts); c.4026_4049dup, p.Arg1350_Lys1351insGluValIleGlnLysGlyHisArg (NM_001406795.1); c.3756_3779dup, p.Arg1260_Lys1261insGluValIleGlnLysGlyHisArg (NM_001406798.1); c.3405_3428dup, p.Arg1143_Lys1144insGluValIleGlnLysGlyHisArg (NM_001406799.1, NM_001406806.1, NM_001406807.1); c.3917_3940dup, p.Ile1313_Glu1314insGlyLysLeuPheLysArgAspIle (NM_001406800.1); and 9 more.
Identifiers: ClinVar variation 1736265 (VCV001736265.3), dbSNP rs2530871247, ClinGen allele CA2580067476.

ClinVar aggregate classification (germline): Uncertain significance. Review status: criteria provided, multiple submitters, no conflicts (2 of 4 stars). 2 submissions from 2 submitters: Uncertain significance (2). Last evaluated 2025-12-22.

Conditions:
Hereditary nonpolyposis colorectal neoplasms. Identifiers: MedGen C0009405, MeSH D003123.
Hereditary cancer-predisposing syndrome. Also called: Neoplastic Syndromes, Hereditary; Tumor predisposition; Hereditary Cancer Syndrome; Hereditary neoplastic syndrome. Identifiers: Orphanet 140162, MedGen C0027672, MeSH D009386, MONDO:0015356.

Submissions (2):

Labcorp Genetics (formerly Invitae), Labcorp
Classification: Uncertain significance for Hereditary nonpolyposis colorectal neoplasms. Last evaluated: 2025-12-22. Review status: criteria provided, single submitter. Criteria: Invitae Variant Classification Sherloc (09022015). Collection method: clinical testing. Allele origin: germline.
Comment: This variant, c.3930_3953dup, results in the insertion of 8 amino acid(s) of the MSH6 protein (p.Glu1311_Arg1318dup), but otherwise preserves the integrity of the reading frame. This variant is not present in population databases (gnomAD no frequency). This variant has not been reported in the literature in individuals affected with MSH6-related conditions. ClinVar contains an entry for this variant (Variation ID: 1736265). In summary, the available evidence is currently insufficient to determine the role of this variant in disease. Therefore, it has been classified as a Variant of Uncertain Significance.

Ambry Genetics
Classification: Uncertain significance for Hereditary cancer-predisposing syndrome. Last evaluated: 2021-03-15. Review status: criteria provided, single submitter. Criteria: Ambry Variant Classification Scheme 2023. Collection method: clinical testing. Allele origin: germline.
Comment: The c.3930_3953dup24 variant (also known as p.E1311_R1318dup), located in coding exon 9 of the MSH6 gene, results from an in-frame duplication of 24 nucleotides at nucleotide positions 3930 to 3953. This results in the duplication of 8 extra residues (EVIQKGHR) between codons 1311 and 1318. This amino acid region is well conserved in available vertebrate species. Since supporting evidence is limited at this time, the clinical significance of this alteration remains unclear.